The following is an entry in ClinVar:

NM_003000.3(SDHB):c.172A>G (p.Met58Val)

Gene: SDHB (succinate dehydrogenase complex iron sulfur subunit B; minus strand). Cytogenetic location: 1p36.13.
Variant type: single nucleotide variant.
Coding change: c.172A>G on transcript NM_003000.3 (MANE Select); coding-DNA position 172, A replaced by G.
Protein change: p.Met58Val; replaces methionine 58 with valine.
Molecular consequence: missense variant.
Genome position (GRCh38, 1-based): chr1:17,044,789, T>C on the plus strand (A>G on the coding strand, the complement: SDHB is on the minus strand). VCF-style: chr1-17044789-T-C. GRCh37 (hg19) VCF-style: chr1-17371284-T-C.
Other names: short protein forms M58V.
Identifiers: ClinVar variation 459138 (VCV000459138.22), dbSNP rs1201188410, ClinGen allele CA338227821.

ClinVar aggregate classification (germline): Uncertain significance. Review status: criteria provided, multiple submitters, no conflicts (2 of 4 stars). 6 submissions from 6 submitters: Uncertain significance (6). Last evaluated 2024-11-25.

Conditions:
Hereditary pheochromocytoma and paraganglioma. Also called: Hereditary Paraganglioma-Pheochromocytoma Syndromes; Hereditary paragangliomas and pheochromocytomas; Hereditary pheochromocytoma-paraganglioma. Identifiers: Orphanet 29072, MedGen C4274332, MONDO:0017366.
Gastrointestinal stromal tumor. Also called: Gastrointestinal stroma tumor; Gastrointestinal stromal tumor, somatic. Identifiers: Orphanet 44890, MedGen C0238198, MeSH D046152, MONDO:0011719, OMIM 606764, HP:0100723.
Pheochromocytoma. Also called: MAX-Related Hereditary Paraganglioma-Pheochromocytoma Syndrome. Identifiers: Orphanet 29072, MedGen C0031511, MONDO:0008233, OMIM 171300, HP:0002666.
Pheochromocytoma/paraganglioma syndrome 4. Also called: SDHB-Related Hereditary Paraganglioma-Pheochromocytoma Syndrome (Paragangliomas 4); CAROTID BODY TUMORS AND MULTIPLE EXTRAADRENAL PHEOCHROMOCYTOMAS; PARAGANGLIOMA, FAMILIAL MALIGNANT; PARAGANGLIOMAS, HEREDITARY EXTRAADRENAL; SDHB-Related Hereditary Paraganglioma-Pheochromocytoma Syndrome; PHEOCHROMOCYTOMA, FAMILIAL EXTRAADRENAL. Identifiers: Orphanet 29072, MedGen C1861848, MONDO:0007273, OMIM 115310.
Hereditary cancer-predisposing syndrome. Also called: Tumor predisposition; Hereditary neoplastic syndrome; Neoplastic Syndromes, Hereditary; Hereditary Cancer Syndrome. Identifiers: Orphanet 140162, MedGen C0027672, MeSH D009386, MONDO:0015356.

Allele frequency attached by ClinVar (database versions not stated): gnomAD 0.00001; TOPMed 0.00002; gnomAD exomes 0.00003.
gnomAD v4.1: 51 of 1,614,062 alleles (0.0032%); highest among the groups gnomAD compares: Non-Finnish European, 0.0042%; no homozygotes.

Submissions (6):

Labcorp Genetics (formerly Invitae), Labcorp
Classification: Uncertain significance for Gastrointestinal stromal tumor; Pheochromocytoma/paraganglioma syndrome 4; Pheochromocytoma. Last evaluated: 2024-11-25. Review status: criteria provided, single submitter. Criteria: Invitae Variant Classification Sherloc (09022015). Collection method: clinical testing. Allele origin: germline.
Comment: This sequence change replaces methionine, which is neutral and non-polar, with valine, which is neutral and non-polar, at codon 58 of the SDHB protein (p.Met58Val). This variant is not present in population databases (gnomAD no frequency). This variant has not been reported in the literature in individuals affected with SDHB-related conditions. ClinVar contains an entry for this variant (Variation ID: 459138). Invitae Evidence Modeling of protein sequence and biophysical properties (such as structural, functional, and spatial information, amino acid conservation, physicochemical variation, residue mobility, and thermodynamic stability) indicates that this missense variant is not expected to disrupt SDHB protein function with a negative predictive value of 80%. In summary, the available evidence is currently insufficient to determine the role of this variant in disease. Therefore, it has been classified as a Variant of Uncertain Significance.

All of Us Research Program, National Institutes of Health
Classification: Uncertain significance for Hereditary pheochromocytoma and paraganglioma. Last evaluated: 2024-08-30. Review status: criteria provided, single submitter. Criteria: ACMG Guidelines, 2015. Collection method: clinical testing. Allele origin: germline. Inheritance: Autosomal dominant inheritance. Observed: 13 variant alleles, 13 heterozygotes.
Comment: This missense variant replaces methionine with valine at codon 58 of the SDHB protein. Computational prediction is inconclusive regarding the impact of this variant on protein structure and function (internally defined REVEL score threshold 0.5 < inconclusive < 0.7, PMID: 27666373). To our knowledge, functional studies have not been reported for this variant. This variant has not been reported in individuals affected with SDHB-related disorders in the literature. This variant has not been identified in the general population by the Genome Aggregation Database (gnomAD). The available evidence is insufficient to determine the role of this variant in disease conclusively. Therefore, this variant is classified as a Variant of Uncertain Significance.

This study involves interpretation of variants in research participants for the purpose of population health screening. Participant phenotype was not available at the time of variant classification. Additional details can be found in publication PMID: 35346344, PMCID: PMC8962531

Ambry Genetics
Classification: Uncertain significance for Hereditary cancer-predisposing syndrome. Last evaluated: 2024-08-15. Review status: criteria provided, single submitter. Criteria: Ambry Variant Classification Scheme 2023. Collection method: clinical testing. Allele origin: germline.
Comment: The p.M58V variant (also known as c.172A>G), located in coding exon 2 of the SDHB gene, results from an A to G substitution at nucleotide position 172. The methionine at codon 58 is replaced by valine, an amino acid with highly similar properties. This amino acid position is highly conserved in available vertebrate species. In addition, this alteration is predicted to be deleterious by in silico analysis. Since supporting evidence is limited at this time, the clinical significance of this alteration remains unclear.

Color Diagnostics, LLC DBA Color Health
Classification: Uncertain significance for Hereditary pheochromocytoma and paraganglioma. Last evaluated: 2024-02-14. Review status: criteria provided, single submitter. Criteria: ACMG Guidelines, 2015. Collection method: clinical testing. Allele origin: germline.
Comment: This missense variant replaces methionine with valine at codon 58 of the SDHB protein. Computational prediction is inconclusive regarding the impact of this variant on protein structure and function. To our knowledge, functional studies have not been reported for this variant. This variant has not been reported in individuals affected with SDHB-related disorders in the literature. This variant has not been identified in the general population by the Genome Aggregation Database (gnomAD). The available evidence is insufficient to determine the role of this variant in disease conclusively. Therefore, this variant is classified as a Variant of Uncertain Significance.

Baylor Genetics
Classification: Uncertain significance for Gastrointestinal stromal tumor. Last evaluated: 2023-09-07. Review status: criteria provided, single submitter. Criteria: ACMG Guidelines, 2015. Collection method: clinical testing. Allele origin: unknown.

GeneDx
Classification: Uncertain significance. Last evaluated: 2023-06-06. Review status: criteria provided, single submitter. Criteria: GeneDx Variant Classification Process June 2021. Collection method: clinical testing. Allele origin: germline. Affected: yes.
Comment: Not observed at significant frequency in large population cohorts (gnomAD); In silico analysis supports that this missense variant does not alter protein structure/function; Not observed in any cases, but was observed in an unaffected control from a melanoma study (Pritchard et al., 2018); This variant is associated with the following publications: (PMID: 28050010, 27535533, 29641532)